The following is an entry in ClinVar:

ClinVar aggregate classification (germline): Pathogenic/Likely pathogenic. Review status: criteria provided, multiple submitters, no conflicts (2 of 4 stars). 3 submissions from 3 submitters: Pathogenic (2); Likely pathogenic (1). Last evaluated 2025-02-24.

Conditions:
EXT1-related disorders.
Multiple congenital exostosis (EXT). Also called: Multiple exostoses; Hereditary multiple osteochondromas; Hereditary multiple exostoses; Hereditary multiple exostosis; MULTIPLE CARTILAGINOUS EXOSTOSES; Multiple osteochondromas. Identifiers: Orphanet 321, MedGen C0015306, MONDO:0005508, HP:0002762.

Submissions (3):

GeneDx
Classification: Pathogenic. Last evaluated: 2025-02-24. Review status: criteria provided, single submitter. Criteria: GeneDx Variant Classification Process June 2021. Collection method: clinical testing. Allele origin: germline. Affected: yes.
Comment: Frameshift variant predicted to result in protein truncation or nonsense mediated decay in a gene for which loss of function is a known mechanism of disease; Not observed at significant frequency in large population cohorts (gnomAD); This variant is associated with the following publications: (PMID: 20418910, 10713884)

Labcorp Genetics (formerly Invitae), Labcorp
Classification: Pathogenic for Multiple congenital exostosis. Last evaluated: 2020-12-08. Review status: criteria provided, single submitter. Criteria: Invitae Variant Classification Sherloc (09022015). Collection method: clinical testing. Allele origin: germline.
Comment: For these reasons, this variant has been classified as Pathogenic. This variant has been observed in individual(s) with hereditary multiple osteochondromas (PMID: 10713884, 20418910). This variant is also known as c.460–461delTT. This variant is not present in population databases (ExAC no frequency). This sequence change creates a premature translational stop signal (p.Phe154Cysfs*34) in the EXT1 gene. It is expected to result in an absent or disrupted protein product. Loss-of-function variants in EXT1 are known to be pathogenic (PMID: 10679937, 11391482, 19810120).

Blueprint Genetics
Classification: Likely pathogenic for EXT1-related disorders. Last evaluated: 2018-10-25. Review status: criteria provided, single submitter. Criteria: ACMG Guidelines, 2015. Collection method: clinical testing. Allele origin: germline. Affected: yes. Observed: 1 variant allele.

Literature cited by the submitters: PubMed 10713884 (cited by Labcorp Genetics (formerly Invitae), Labcorp); PubMed 20418910 (cited by Labcorp Genetics (formerly Invitae), Labcorp); PubMed 10679937 (cited by Labcorp Genetics (formerly Invitae), Labcorp); PubMed 11391482 (cited by Labcorp Genetics (formerly Invitae), Labcorp); PubMed 19810120 (cited by Labcorp Genetics (formerly Invitae), Labcorp).

NM_000127.3(EXT1):c.461_462del (p.Phe154fs)

Gene: EXT1 (exostosin glycosyltransferase 1; minus strand). Cytogenetic location: 8q24.11.
Variant type: Deletion.
Coding change: c.461_462del on transcript NM_000127.3 (MANE Select); coding-DNA positions 461 to 462, 2 bases deleted (TT; older notation c.461_462delTT).
Protein change: p.Phe154fs; shifts the reading frame from phenylalanine 154.
Molecular consequence: frameshift variant.
Genome position (GRCh38, 1-based): chr8:118,110,585-118,110,586, AA deleted on the plus strand (TT on the coding strand, the reverse complement: EXT1 is on the minus strand); deleting any 2 consecutive bases within chr8:118,110,585-118,110,587 gives the same sequence; the c. name uses the placement nearest the transcript's 3' end. VCF-style (leftmost placement, unchanged base first): chr8-118110584-CAA-C. GRCh37 (hg19) VCF-style: chr8-119122823-CAA-C.
Other names: c.461_462del (NM_000127.2); short protein forms F154fs.
Identifiers: ClinVar variation 1459800 (VCV001459800.10), dbSNP rs2130043334, ClinGen allele CA2573142831.